The following is an entry in ClinVar:

NM_015080.4(NRXN2):c.1751A>G (p.Asn584Ser)

Gene: NRXN2 (neurexin 2; minus strand). Cytogenetic location: 11q13.1.
Variant type: single nucleotide variant.
Coding change: c.1751A>G on transcript NM_015080.4 (MANE Select); coding-DNA position 1751, A replaced by G.
Protein change: p.Asn584Ser; replaces asparagine 584 with serine.
Molecular consequence: missense variant.
Genome position (GRCh38, 1-based): chr11:64,667,297, T>C on the plus strand (A>G on the coding strand, the complement: NRXN2 is on the minus strand). VCF-style: chr11-64667297-T-C. GRCh37 (hg19) VCF-style: chr11-64434769-T-C.
Other names: c.1751A>G, p.Asn584Ser (NM_001376262.1); c.1730A>G, p.Asn577Ser (NM_001376263.1, NM_001376267.1); c.1706A>G, p.Asn569Ser (NM_001376265.1); c.1727A>G, p.Asn576Ser (NM_001376266.1); c.1658A>G, p.Asn553Ser (NM_138732.3); short protein forms N553S, N569S, N584S, N576S, N577S.
Identifiers: ClinVar variation 2230033 (VCV002230033.2), dbSNP rs2496082525, ClinGen allele CA381129413.

ClinVar aggregate classification (germline): Uncertain significance (1 of 4 stars; one submission).

Submission:

Ambry Genetics
Classification: Uncertain significance. Last evaluated: 2021-03-05. Review status: criteria provided, single submitter. Criteria: Ambry Variant Classification Scheme 2023. Collection method: clinical testing. Allele origin: germline.
Comment: The c.1658A>G (p.N553S) alteration is located in exon 8 (coding exon 7) of the NRXN2 gene. This alteration results from an A to G substitution at nucleotide position 1658, causing the asparagine (N) at amino acid position 553 to be replaced by a serine (S). Based on data from the Genome Aggregation Database (gnomAD), the NRXN2 c.1658A>G alteration was not observed, with coverage at this position. The p.N553 amino acid is conserved in available vertebrate species. The p.N553S alteration is predicted to be tolerated by in silico analysis. Based on insufficient or conflicting evidence, the clinical significance of this alteration remains unclear.